The following is an entry in ClinVar:

ClinVar aggregate classification (germline): Benign (1 of 4 stars; one submission).

Allele frequency attached by ClinVar (database versions not stated): gnomAD 0.01893 and 0.02028; 1000 Genomes Project 0.02077; 1000 Genomes Project 30x 0.02077.
gnomAD v4.1: 2,856 of 152,230 alleles (1.9%); highest among the groups gnomAD compares: African/African-American, 6.5%; 84 homozygotes.

Submission:

GeneDx
Classification: Benign. Last evaluated: 2018-06-16. Review status: criteria provided, single submitter. Criteria: GeneDx Variant Classification (06012015). Collection method: clinical testing. Allele origin: germline. Affected: yes.
Comment: This variant is considered likely benign or benign based on one or more of the following criteria: it is a conservative change, it occurs at a poorly conserved position in the protein, it is predicted to be benign by multiple in silico algorithms, and/or has population frequency not consistent with disease.

NM_003480.4(MFAP5):c.409+180G>T

Gene: MFAP5 (microfibril associated protein 5; minus strand). Cytogenetic location: 12p13.31.
Variant type: single nucleotide variant.
Coding change: c.409+180G>T on transcript NM_003480.4 (MANE Select); 180 bases into the intron after coding-DNA position 409, G replaced by T.
Molecular consequence: intron variant.
Genome position (GRCh38, 1-based): chr12:8,649,321, C>A on the plus strand (G>T on the coding strand, the complement: MFAP5 is on the minus strand). VCF-style: chr12-8649321-C-A. GRCh37 (hg19) VCF-style: chr12-8801917-C-A.
Other names: c.343+180G>T (NM_001297710.2); c.334+180G>T (NM_001297711.2); c.218-1118G>T (NM_001297712.2); c.379+180G>T (NM_001297709.2).
Identifiers: ClinVar variation 678012 (VCV000678012.1), dbSNP rs781297401, ClinGen allele CA232305820.